The following is an entry in ClinVar:

ClinVar aggregate classification (germline): Uncertain significance (1 of 4 stars; one submission).

Conditions:
Cardiovascular phenotype. Identifiers: MedGen CN230736.

Allele frequency attached by ClinVar (database versions not stated): TOPMed below 0.00001.

Submission:

Ambry Genetics
Classification: Uncertain significance for Cardiovascular phenotype. Last evaluated: 2024-01-01. Review status: criteria provided, single submitter. Criteria: Ambry Variant Classification Scheme 2023. Collection method: clinical testing. Allele origin: germline.
Comment: The p.Q971R variant (also known as c.2912A>G), located in coding exon 17 of the EPHB4 gene, results from an A to G substitution at nucleotide position 2912. The glutamine at codon 971 is replaced by arginine, an amino acid with highly similar properties. This amino acid position is conserved. In addition, this alteration is predicted to be tolerated by in silico analysis. Since supporting evidence is limited at this time, the clinical significance of this alteration remains unclear.

NM_004444.5(EPHB4):c.2912A>G (p.Gln971Arg)

Gene: EPHB4 (EPH receptor B4; minus strand). Cytogenetic location: 7q22.1.
Variant type: single nucleotide variant.
Coding change: c.2912A>G on transcript NM_004444.5 (MANE Select); coding-DNA position 2912, A replaced by G.
Protein change: p.Gln971Arg; replaces glutamine 971 with arginine.
Molecular consequence: missense variant.
Genome position (GRCh38, 1-based): chr7:100,803,513, T>C on the plus strand (A>G on the coding strand, the complement: EPHB4 is on the minus strand). VCF-style: chr7-100803513-T-C. GRCh37 (hg19) VCF-style: chr7-100401135-T-C.
Other names: short protein forms Q971R.
Identifiers: ClinVar variation 3224288 (VCV003224288.1), dbSNP rs534188389, ClinGen allele CA368565994.